The following is an entry in ClinVar:

NM_133259.4(LRPPRC):c.469+1G>A

Gene: LRPPRC (leucine rich pentatricopeptide repeat containing; minus strand). Cytogenetic location: 2p21.
Variant type: single nucleotide variant.
Coding change: c.469+1G>A on transcript NM_133259.4 (MANE Select); the canonical splice donor site of the intron after coding-DNA position 469, G replaced by A.
Molecular consequence: splice donor variant.
Genome position (GRCh38, 1-based): chr2:43,979,825, C>T on the plus strand (G>A on the coding strand, the complement: LRPPRC is on the minus strand). VCF-style: chr2-43979825-C-T. GRCh37 (hg19) VCF-style: chr2-44206964-C-T.
Identifiers: ClinVar variation 402234 (VCV000402234.8), dbSNP rs1060499785, ClinGen allele CA16609552.

ClinVar aggregate classification (germline): Likely pathogenic. Review status: criteria provided, multiple submitters, no conflicts (2 of 4 stars). 3 submissions from 3 submitters: Likely pathogenic (3). Last evaluated 2024-02-01.

Conditions:
Congenital lactic acidosis, Saguenay-Lac-Saint-Jean type (MC4DN5). Also called: CYTOCHROME c OXIDASE DEFICIENCY, FRENCH CANADIAN TYPE; COX DEFICIENCY, FRENCH CANADIAN TYPE; MITOCHONDRIAL COMPLEX IV DEFICIENCY, NUCLEAR TYPE 5. Identifiers: Orphanet 70472, MedGen C1857355, MONDO:0009069, OMIM 220111.

gnomAD v4.1: 5 of 1,612,864 alleles (0.00031%); highest among the groups gnomAD compares: Non-Finnish European, 0.00042%; no homozygotes.

Submissions (3):

Laboratory of Medical Genetics, National & Kapodistrian University of Athens
Classification: Likely pathogenic for Congenital lactic acidosis, Saguenay-Lac-Saint-Jean type. Last evaluated: 2024-02-01. Review status: criteria provided, single submitter. Criteria: ACMG Guidelines, 2015. Collection method: curation. Allele origin: germline. Affected: no.

Labcorp Genetics (formerly Invitae), Labcorp
Classification: Likely pathogenic. Last evaluated: 2023-04-20. Review status: criteria provided, single submitter. Criteria: Invitae Variant Classification Sherloc (09022015). Collection method: clinical testing. Allele origin: germline.
Comment: In summary, the currently available evidence indicates that the variant is pathogenic, but additional data are needed to prove that conclusively. Therefore, this variant has been classified as Likely Pathogenic. Algorithms developed to predict the effect of sequence changes on RNA splicing suggest that this variant may disrupt the consensus splice site. ClinVar contains an entry for this variant (Variation ID: 402234). This variant has not been reported in the literature in individuals affected with LRPPRC-related conditions. This variant is not present in population databases (gnomAD no frequency). This sequence change affects a donor splice site in intron 3 of the LRPPRC gene. It is expected to disrupt RNA splicing. Variants that disrupt the donor or acceptor splice site typically lead to a loss of protein function (PMID: 16199547), and loss-of-function variants in LRPPRC are known to be pathogenic (PMID: 26510951).

Knight Diagnostic Laboratories, Oregon Health and Sciences University
Classification: Likely pathogenic for Congenital lactic acidosis, Saguenay-Lac-Saint-Jean type. Last evaluated: 2016-03-30. Review status: criteria provided, single submitter. Criteria: ACMG Guidelines, 2015. Collection method: clinical testing. Allele origin: germline. Affected: no. Study: CSER-NextGen.
Comment: The c.469+1G>A splice-donor variant in the LRPPRC gene has been not been previously reported in published literature and is absent from the population databases (ESP; 1000 Genomes; ExAC). This variant is located within the canonical splice site of intron 3, and in silico algorithms predict this variant will cause abnormal splicing (Human Splice Finder = Broken WT Donor Site). Multiple splice variants located downstream of this c.469+1G>A variant have been reported as pathogenic by reputable diagnostic laboratories (c.864+2 T>C, c.1920+1 G>T). Therefore, this collective evidence supports the classification of the c.469+1G>A as a recessive *Likely pathogenic (see recommendation) variant for Leigh Syndrome.

Literature cited by the submitters: PubMed 16199547 (cited by Labcorp Genetics (formerly Invitae), Labcorp); PubMed 26510951 (cited by Labcorp Genetics (formerly Invitae), Labcorp).